The following is an entry in ClinVar:

NM_017849.4(TMEM127):c.81_96del (p.Glu28fs)

Genes: TMEM127 (transmembrane protein 127; minus strand), LOC129934333 (ATAC-STARR-seq lymphoblastoid silent region 11759; plus strand). Cytogenetic location: 2q11.2.
Variant type: Deletion.
Coding change: c.81_96del on transcript NM_017849.4 (MANE Select); coding-DNA positions 81 to 96, 16 bases deleted (GGAGCGTAGCCTGGCC).
Protein change: p.Glu28fs; shifts the reading frame from glutamic acid 28.
Molecular consequence: frameshift variant. On other transcripts: intron variant (1).
Genome position (GRCh38, 1-based): chr2:96,265,286-96,265,301, GGCCAGGCTACGCTCC deleted on the plus strand (GGAGCGTAGCCTGGCC on the coding strand, the reverse complement: TMEM127 is on the minus strand); deleting any 16 consecutive bases within chr2:96,265,286-96,265,304 gives the same sequence; the c. name uses the placement nearest the transcript's 3' end. VCF-style (leftmost placement, unchanged base first): chr2-96265285-AGGCCAGGCTACGCTCC-A. GRCh37 (hg19) VCF-style: chr2-96931023-AGGCCAGGCTACGCTCC-A.
Other names: c.81_96del, p.Glu28fs (NM_001193304.3); c.-9+568_-9+583del (NM_001407283.1); c.81_96del16 (NM_017849.3); short protein forms E28fs.
Identifiers: ClinVar variation 4185914 (VCV004185914.1).

ClinVar aggregate classification (germline): Pathogenic (1 of 4 stars; one submission).

Conditions:
Hereditary cancer-predisposing syndrome. Also called: Neoplastic Syndromes, Hereditary; Tumor predisposition; Hereditary Cancer Syndrome; Hereditary neoplastic syndrome. Identifiers: Orphanet 140162, MedGen C0027672, MeSH D009386, MONDO:0015356.

Submission:

Ambry Genetics
Classification: Pathogenic for Hereditary cancer-predisposing syndrome. Last evaluated: 2025-08-11. Review status: criteria provided, single submitter. Criteria: Ambry Variant Classification Scheme 2023. Collection method: clinical testing. Allele origin: germline.
Comment: The c.81_96del16 pathogenic mutation, located in coding exon 1 of the TMEM127 gene, results from a deletion of 16 nucleotides at nucleotide positions 81 to 96, causing a translational frameshift with a predicted alternate stop codon (p.E28Rfs*48). This variant is considered to be rare based on population cohorts in the Genome Aggregation Database (gnomAD). This alteration is expected to result in loss of function by premature protein truncation or nonsense-mediated mRNA decay. As such, this alteration is interpreted as a disease-causing mutation.